The following is an entry in ClinVar:

NM_002292.4(LAMB2):c.1193C>T (p.Thr398Ile)

Gene: LAMB2 (laminin subunit beta 2; minus strand). Cytogenetic location: 3p21.31.
Variant type: single nucleotide variant.
Coding change: c.1193C>T on transcript NM_002292.4 (MANE Select); coding-DNA position 1193, C replaced by T.
Protein change: p.Thr398Ile; replaces threonine 398 with isoleucine.
Molecular consequence: missense variant.
Genome position (GRCh38, 1-based): chr3:49,130,263, G>A on the plus strand (C>T on the coding strand, the complement: LAMB2 is on the minus strand). VCF-style: chr3-49130263-G-A. GRCh37 (hg19) VCF-style: chr3-49167696-G-A.
Other names: p.Thr398Ile; short protein forms T398I.
Identifiers: ClinVar variation 258595 (VCV000258595.25), dbSNP rs77500937, ClinGen allele CA2394675.
Genomic context (GRCh38, chr3:49,130,263, plus strand): 5'-CTCTCCCCGTGCCCAATCCCAGCCTCACAGCGGCACACAGCCGGATCCCGCAGGTCCTTG[G>A]TTGGGTCACGGTAGAAGAAGGGCCGACAGAGCTCACAGTGGCGCCCAGCTGTGTTATGCT-3'
Protein context (NP_002283.3, residues 388-408): LCRPFFYRDP[Thr398Ile]KDLRDPAVCR

ClinVar aggregate classification (germline): Benign/Likely benign. Review status: criteria provided, multiple submitters, no conflicts (2 of 4 stars). 9 submissions from 8 submitters: Benign (8); Likely benign (1). Last evaluated 2026-02-01.

Conditions:
LAMB2-related infantile-onset nephrotic syndrome. Also called: Nephrotic Syndrome, type 5; NEPHROTIC SYNDROME, TYPE 5, WITHOUT OCULAR ABNORMALITIES; NEPHROTIC SYNDROME, TYPE 5, WITH OCULAR ABNORMALITIES. Identifiers: Orphanet 306507, MedGen C3280113, MONDO:0013621, OMIM 614199.
Pierson syndrome. Also called: MICROCORIA-CONGENITAL NEPHROTIC SYNDROME. Identifiers: Orphanet 2670, MedGen C1836876, MONDO:0012184, OMIM 609049.
Kidney disorder. Also called: renal disorder; Nephropathy; renal disease; Kidney disease; Kidney Diseases. Identifiers: MedGen C0022658, MONDO:0005240, HP:0000112.

Allele frequency attached by ClinVar (database versions not stated): ExAC 0.00233; TOPMed 0.00778; 1000 Genomes Project 30x 0.00953; gnomAD exomes 0.00188; gnomAD 0.00728 and 0.00775; ESP Exome Variant Server 0.00815; 1000 Genomes Project 0.00879.
gnomAD v4.1: 2,162 of 1,614,238 alleles (0.13%); highest among the groups gnomAD compares: African/African-American, 2.5%; 29 homozygotes.

Submissions (9):

Labcorp Genetics (formerly Invitae), Labcorp
Classification: Benign for LAMB2-related infantile-onset nephrotic syndrome; Pierson syndrome. Last evaluated: 2026-02-01. Review status: criteria provided, single submitter. Criteria: Invitae Variant Classification Sherloc (09022015). Collection method: clinical testing. Allele origin: germline.

Mayo Clinic Laboratories, Mayo Clinic
Classification: Benign. Last evaluated: 2023-09-26. Review status: criteria provided, single submitter. Criteria: ACMG Guidelines, 2015. Collection method: clinical testing. Allele origin: germline. Observed: 4 variant alleles.
Comment: BS1, BS2, BP4

GeneDx
Classification: Benign. Last evaluated: 2020-05-12. Review status: criteria provided, single submitter. Criteria: GeneDx Variant Classification Process June 2021. Collection method: clinical testing. Allele origin: germline. Affected: yes.
Comment: This variant is associated with the following publications: (PMID: 20556798, 30013592)

Illumina Laboratory Services, Illumina
Classification: Benign for LAMB2-related infantile-onset nephrotic syndrome. Last evaluated: 2018-01-13. Review status: criteria provided, single submitter. Criteria: ICSL Variant Classification Criteria 13 December 2019. Collection method: clinical testing. Allele origin: germline.
Comment: This variant was observed in the ICSL laboratory as part of a predisposition screen in an ostensibly healthy population. It had not been previously curated by ICSL or reported in the Human Gene Mutation Database (HGMD: prior to June 1st, 2018), and was therefore a candidate for classification through an automated scoring system. Utilizing variant allele frequency, disease prevalence and penetrance estimates, and inheritance mode, an automated score was calculated to assess if this variant is too frequent to cause the disease. Based on the score and internal cut-off values, a variant classified as benign is not then subjected to further curation. The score for this variant resulted in a classification of benign for this disease.

Illumina Laboratory Services, Illumina
Classification: Benign for Pierson syndrome. Last evaluated: 2018-01-13. Review status: criteria provided, single submitter. Criteria: ICSL Variant Classification Criteria 13 December 2019. Collection method: clinical testing. Allele origin: germline.
Comment: the same text as in the submission from Illumina Laboratory Services, Illumina above.

Athena Diagnostics
Classification: Benign. Last evaluated: 2017-12-07. Review status: criteria provided, single submitter. Criteria: Athena Diagnostics Criteria. Collection method: clinical testing. Allele origin: germline.

Genome Diagnostics Laboratory, The Hospital for Sick Children
Classification: Likely benign for Kidney disorder. Last evaluated: 2017-02-13. Review status: criteria provided, single submitter. Criteria: ACMG Guidelines, 2015. Collection method: clinical testing. Allele origin: germline.

Breakthrough Genomics
Classification: Benign. Review status: criteria provided, single submitter. Criteria: ACMG Guidelines, 2015. Collection method: not provided. Allele origin: germline. Inheritance: Autosomal recessive inheritance. Affected: yes.

PreventionGenetics, part of Exact Sciences
Classification: Benign. Review status: criteria provided, single submitter. Criteria: ACMG Guidelines, 2015. Collection method: clinical testing. Allele origin: germline.

Literature cited by the submitters: PubMed 20556798 (cited by Mayo Clinic Laboratories, Mayo Clinic and Athena Diagnostics); PubMed 30013592 (cited by Mayo Clinic Laboratories, Mayo Clinic).